The following is an entry in ClinVar:

ClinVar aggregate classification (germline): Uncertain significance (1 of 4 stars; one submission).

Conditions:
Retinitis pigmentosa 59 (RP59). Identifiers: Orphanet 791, MedGen C3151227, MONDO:0013468, OMIM 613861.

Allele frequency attached by ClinVar (database versions not stated): TOPMed 0.00001.

Submission:

Labcorp Genetics (formerly Invitae), Labcorp
Classification: Uncertain significance for Retinitis pigmentosa 59. Last evaluated: 2022-06-04. Review status: criteria provided, single submitter. Criteria: Invitae Variant Classification Sherloc (09022015). Collection method: clinical testing. Allele origin: germline.
Comment: This sequence change replaces isoleucine, which is neutral and non-polar, with leucine, which is neutral and non-polar, at codon 183 of the DHDDS protein (p.Ile183Leu). This variant is not present in population databases (gnomAD no frequency). This variant has not been reported in the literature in individuals affected with DHDDS-related conditions. ClinVar contains an entry for this variant (Variation ID: 1369221). Algorithms developed to predict the effect of missense changes on protein structure and function (SIFT, PolyPhen-2, Align-GVGD) all suggest that this variant is likely to be tolerated. In summary, the available evidence is currently insufficient to determine the role of this variant in disease. Therefore, it has been classified as a Variant of Uncertain Significance.

NM_205861.3(DHDDS):c.547A>C (p.Ile183Leu)

Gene: DHDDS (dehydrodolichyl diphosphate synthase subunit; plus strand). Cytogenetic location: 1p36.11.
Variant type: single nucleotide variant.
Coding change: c.547A>C on transcript NM_205861.3 (MANE Select); coding-DNA position 547, A replaced by C.
Protein change: p.Ile183Leu; replaces isoleucine 183 with leucine.
Molecular consequence: missense variant.
Genome position (GRCh38, 1-based): chr1:26,457,795, A>C. VCF-style: chr1-26457795-A-C. GRCh37 (hg19) VCF-style: chr1-26784286-A-C.
Other names: c.445A>C, p.Ile149Leu (NM_001243564.2); c.430A>C, p.Ile144Leu (NM_001243565.2); c.268A>C, p.Ile90Leu (NM_001319959.2); c.547A>C, p.Ile183Leu (NM_024887.4); short protein forms I149L, I183L, I90L, I144L.
Identifiers: ClinVar variation 1369221 (VCV001369221.6), dbSNP rs1294679503, ClinGen allele CA339144525.